The following is an entry in ClinVar:

NM_001014342.3(FLG2):c.6622C>T (p.His2208Tyr)

Genes: FLG2 (filaggrin 2; minus strand), CCDST (cervical cancer associated DHX9 suppressive transcript; plus strand). Cytogenetic location: 1q21.3.
Variant type: single nucleotide variant.
Coding change: c.6622C>T on transcript NM_001014342.3 (MANE Select); coding-DNA position 6622, C replaced by T.
Protein change: p.His2208Tyr; replaces histidine 2208 with tyrosine.
Molecular consequence: missense variant.
Genome position (GRCh38, 1-based): chr1:152,351,164, G>A on the plus strand (C>T on the coding strand, the complement: FLG2 is on the minus strand). VCF-style: chr1-152351164-G-A. GRCh37 (hg19) VCF-style: chr1-152323640-G-A.
Other names: short protein forms H2208Y.
Identifiers: ClinVar variation 4258167 (VCV004258167.2).

ClinVar aggregate classification (germline): Uncertain significance. Review status: criteria provided, multiple submitters, no conflicts (2 of 4 stars). 2 submissions from 2 submitters: Uncertain significance (2). Last evaluated 2025-08-03.

Submissions (2):

Ambry Genetics
Classification: Uncertain significance. Last evaluated: 2025-08-03. Review status: criteria provided, single submitter. Criteria: Ambry Variant Classification Scheme 2023. Collection method: clinical testing. Allele origin: germline.

GeneDx
Classification: Uncertain significance. Last evaluated: 2025-06-10. Review status: criteria provided, single submitter. Criteria: GeneDx Variant Classification Process June 2021. Collection method: clinical testing. Allele origin: germline. Affected: yes.
Comment: Has not been previously published as pathogenic or benign to our knowledge; In silico analysis suggests that this missense variant does not alter protein structure/function